The following is an entry in ClinVar:

ClinVar aggregate classification (germline): Uncertain significance (1 of 4 stars; one submission).

Submission:

Women's Health and Genetics/Laboratory Corporation of America, LabCorp
Classification: Uncertain significance. Last evaluated: 2024-06-17. Review status: criteria provided, single submitter. Criteria: LabCorp Variant Classification Summary - May 2015. Collection method: clinical testing. Allele origin: germline.
Comment: Variant summary: ETFDH c.1786G>C (p.Asp596His) results in a non-conservative amino acid change located in the ETF-QO/FixX, C-terminal domain (IPR007859) of the encoded protein sequence. Five of five in-silico tools predict a damaging effect of the variant on protein function. The variant was absent in 251386 control chromosomes. The available data on variant occurrences in the general population are insufficient to allow any conclusion about variant significance. To our knowledge, no occurrence of c.1786G>C in individuals affected with Glutaric Aciduria, Type 2c and no experimental evidence demonstrating its impact on protein function have been reported. No submitters have cited clinical-significance assessments for this variant to ClinVar. Based on the evidence outlined above, the variant was classified as uncertain significance.

NM_004453.4(ETFDH):c.1786G>C (p.Asp596His)

Gene: ETFDH (electron transfer flavoprotein dehydrogenase; plus strand). Cytogenetic location: 4q32.1.
Variant type: single nucleotide variant.
Coding change: c.1786G>C on transcript NM_004453.4 (MANE Select); coding-DNA position 1786, G replaced by C.
Protein change: p.Asp596His; replaces aspartic acid 596 with histidine.
Molecular consequence: missense variant.
Genome position (GRCh38, 1-based): chr4:158,708,459, G>C. VCF-style: chr4-158708459-G-C. GRCh37 (hg19) VCF-style: chr4-159629611-G-C.
Other names: c.1645G>C, p.Asp549His (NM_001281737.2); c.1603G>C, p.Asp535His (NM_001281738.1); short protein forms D535H, D549H, D596H.
Identifiers: ClinVar variation 3340032 (VCV003340032.1).